The following is an entry in ClinVar:

NM_003059.3(SLC22A4):c.1543C>T (p.Leu515Phe)

Genes: MIR3936HG (MIR3936 host gene; minus strand), SLC22A4 (solute carrier family 22 member 4; plus strand). Cytogenetic location: 5q31.1.
Variant type: single nucleotide variant.
Coding change: c.1543C>T on transcript NM_003059.3 (MANE Select); coding-DNA position 1543, C replaced by T.
Protein change: p.Leu515Phe; replaces leucine 515 with phenylalanine.
Molecular consequence: missense variant.
Genome position (GRCh38, 1-based): chr5:132,340,663, C>T. VCF-style: chr5-132340663-C-T. GRCh37 (hg19) VCF-style: chr5-131676356-C-T.
Other names: short protein forms L515F.
Identifiers: ClinVar variation 1424263 (VCV001424263.6), dbSNP rs558087632, ClinGen allele CA3403716.

ClinVar aggregate classification (germline): Uncertain significance (1 of 4 stars; one submission).

Allele frequency attached by ClinVar (database versions not stated): ExAC 0.00004; gnomAD exomes 0.00004.
gnomAD v4.1: 21 of 1,613,874 alleles (0.0013%); highest among the groups gnomAD compares: South Asian, 0.016%; 1 homozygote.

Submission:

Labcorp Genetics (formerly Invitae), Labcorp
Classification: Uncertain significance. Last evaluated: 2024-02-24. Review status: criteria provided, single submitter. Criteria: Invitae Variant Classification Sherloc (09022015). Collection method: clinical testing. Allele origin: germline.
Comment: This sequence change replaces leucine, which is neutral and non-polar, with phenylalanine, which is neutral and non-polar, at codon 515 of the SLC22A4 protein (p.Leu515Phe). This variant is present in population databases (rs558087632, gnomAD 0.03%). This variant has not been reported in the literature in individuals affected with SLC22A4-related conditions. ClinVar contains an entry for this variant (Variation ID: 1424263). Advanced modeling of protein sequence and biophysical properties (such as structural, functional, and spatial information, amino acid conservation, physicochemical variation, residue mobility, and thermodynamic stability) performed at Invitae indicates that this missense variant is not expected to disrupt SLC22A4 protein function with a negative predictive value of 80%. In summary, the available evidence is currently insufficient to determine the role of this variant in disease. Therefore, it has been classified as a Variant of Uncertain Significance.